The following is an entry in ClinVar:

ClinVar aggregate classification (germline): Uncertain significance. Review status: criteria provided, multiple submitters, no conflicts (2 of 4 stars). 4 submissions from 4 submitters: Uncertain significance (4). Last evaluated 2024-11-13.

Conditions:
ADA2-related disorder. Also called: ADA2-related condition.
Sneddon syndrome (SNDNS). Also called: Idiopathic livedo reticularis with systemic involvement; LIVEDO RETICULARIS AND CEREBROVASCULAR ACCIDENTS. Identifiers: Orphanet 820, MedGen C0282492, MONDO:0008436, OMIM 182410.
Deficiency of adenosine deaminase 2. Also called: Adenosine Deaminase 2 Deficiency; VASCULITIS, AUTOINFLAMMATION, IMMUNODEFICIENCY, AND HEMATOLOGIC DEFECTS SYNDROME; Polyarteritis nodosa, childhoood-onset. Identifiers: Orphanet 404553, MedGen C3887654, MONDO:0014306, OMIM 615688, MONDO:0100317.

Allele frequency attached by ClinVar (database versions not stated): gnomAD exomes 0.00005 and 0.00010; ExAC 0.00012; ESP Exome Variant Server 0.00031; gnomAD 0.00049 and 0.00053; TOPMed 0.00049; 1000 Genomes Project 0.00060; 1000 Genomes Project 30x 0.00062.
gnomAD v4.1: 143 of 1,614,098 alleles (0.0089%); highest among the groups gnomAD compares: African/African-American, 0.16%; no homozygotes.

Submissions (4):

Blueprint Genetics
Classification: Uncertain significance. Last evaluated: 2024-11-13. Review status: criteria provided, single submitter. Criteria: ACMG Guidelines, 2015. Collection method: clinical testing. Allele origin: germline.

Fulgent Genetics
Classification: Uncertain significance for Sneddon syndrome; Deficiency of adenosine deaminase 2. Last evaluated: 2024-06-04. Review status: criteria provided, single submitter. Criteria: ACMG Guidelines, 2015. Collection method: clinical testing. Allele origin: germline.

PreventionGenetics, part of Exact Sciences
Classification: Uncertain significance for ADA2-related condition. Last evaluated: 2023-05-09. Review status: criteria provided, single submitter. Criteria: ACMG Guidelines, 2015. Collection method: clinical testing. Allele origin: germline.
Comment: The ADA2 c.1385T>C variant is predicted to result in the amino acid substitution p.Ile462Thr. To our knowledge, this variant has not been reported in the literature. This variant is reported in 0.14% of alleles in individuals of African descent in gnomAD. Although we suspect that this variant may be benign, at this time, the clinical significance of this variant is uncertain due to the absence of conclusive functional and genetic evidence.

Labcorp Genetics (formerly Invitae), Labcorp
Classification: Uncertain significance for Deficiency of adenosine deaminase 2. Last evaluated: 2022-10-18. Review status: criteria provided, single submitter. Criteria: Invitae Variant Classification Sherloc (09022015). Collection method: clinical testing. Allele origin: germline.
Comment: This sequence change replaces isoleucine, which is neutral and non-polar, with threonine, which is neutral and polar, at codon 462 of the ADA2 protein (p.Ile462Thr). This variant is present in population databases (rs61744537, gnomAD 0.1%). This variant has not been reported in the literature in individuals affected with ADA2-related conditions. ClinVar contains an entry for this variant (Variation ID: 566003). Advanced modeling of protein sequence and biophysical properties (such as structural, functional, and spatial information, amino acid conservation, physicochemical variation, residue mobility, and thermodynamic stability) has been performed at Invitae for this missense variant, however the output from this modeling did not meet the statistical confidence thresholds required to predict the impact of this variant on ADA2 protein function. In summary, the available evidence is currently insufficient to determine the role of this variant in disease. Therefore, it has been classified as a Variant of Uncertain Significance.

NM_001282225.2(ADA2):c.1385T>C (p.Ile462Thr)

Gene: ADA2 (adenosine deaminase 2; minus strand). Cytogenetic location: 22q11.1.
Variant type: single nucleotide variant.
Coding change: c.1385T>C on transcript NM_001282225.2 (MANE Select); coding-DNA position 1385, T replaced by C.
Protein change: p.Ile462Thr; replaces isoleucine 462 with threonine.
Molecular consequence: missense variant.
Genome position (GRCh38, 1-based): chr22:17,181,877, A>G on the plus strand (T>C on the coding strand, the complement: ADA2 is on the minus strand). VCF-style: chr22-17181877-A-G. GRCh37 (hg19) VCF-style: chr22-17662767-A-G.
Other names: c.1385T>C, p.Ile462Thr (NM_001282226.2); c.1259T>C, p.Ile420Thr (NM_001282227.2, NM_001282228.2); c.1025T>C, p.Ile342Thr (NM_001282229.2); c.662T>C, p.Ile221Thr (NM_177405.3); short protein forms I462T, I420T, I342T, I221T.
Identifiers: ClinVar variation 566003 (VCV000566003.10), dbSNP rs61744537, ClinGen allele CA10087883.